The following is an entry in ClinVar:

NM_021728.4(OTX2):c.565C>T (p.Gln189Ter)

Gene: OTX2 (orthodenticle homeobox 2; minus strand). Cytogenetic location: 14q22.3.
Variant type: single nucleotide variant.
Coding change: c.565C>T on transcript NM_021728.4 (MANE Select); coding-DNA position 565, C replaced by T.
Protein change: p.Gln189Ter; replaces glutamine 189 with a stop codon.
Molecular consequence: nonsense. On other transcripts: non-coding transcript variant (2).
Genome position (GRCh38, 1-based): chr14:56,802,064, G>A on the plus strand (C>T on the coding strand, the complement: OTX2 is on the minus strand). VCF-style: chr14-56802064-G-A. GRCh37 (hg19) VCF-style: chr14-57268782-G-A.
Other names: c.541C>T, p.Gln181Ter (NM_001270523.2, NM_001270524.2, NM_172337.3); c.565C>T, p.Gln189Ter (NM_001270525.2); short protein forms Q181*, Q189*.
Identifiers: ClinVar variation 2112894 (VCV002112894.4), dbSNP rs2503896126, ClinGen allele CA390051591.

ClinVar aggregate classification (germline): Pathogenic (1 of 4 stars; one submission).

Conditions:
Anophthalmia-microphthalmia syndrome. Also called: Anophthalmia/Microphthalmia; Anophthalmia - microphthalmia. Identifiers: Orphanet 98555, MedGen C5680330, MONDO:0020147.

Submission:

Labcorp Genetics (formerly Invitae), Labcorp
Classification: Pathogenic for Anophthalmia-microphthalmia syndrome. Last evaluated: 2022-04-22. Review status: criteria provided, single submitter. Criteria: Invitae Variant Classification Sherloc (09022015). Collection method: clinical testing. Allele origin: germline.
Comment: This sequence change creates a premature translational stop signal (p.Gln181*) in the OTX2 gene. While this is not anticipated to result in nonsense mediated decay, it is expected to disrupt the last 109 amino acid(s) of the OTX2 protein. This variant is not present in population databases (gnomAD no frequency). This variant has not been reported in the literature in individuals affected with OTX2-related conditions. This variant disrupts a region of the OTX2 protein in which other variant(s) (p.Ser203*) have been determined to be pathogenic (Invitae). This suggests that this is a clinically significant region of the protein, and that variants that disrupt it are likely to be disease-causing. For these reasons, this variant has been classified as Pathogenic.